The following is an entry in ClinVar:

ClinVar aggregate classification (germline): Uncertain significance (1 of 4 stars; one submission).

Conditions:
Intellectual developmental disorder, autosomal dominant 52. Also called: Intellectual disability, autosomal dominant 52; Mental retardation, autosomal dominant 52. Identifiers: MedGen C4540478, MONDO:0030918, OMIM 617796.

Submission:

Juno Genomics, Hangzhou Juno Genomics, Inc
Classification: Uncertain significance for Intellectual developmental disorder, autosomal dominant 52. Review status: criteria provided, single submitter. Criteria: ACMG Guidelines, 2015. Collection method: clinical testing. Allele origin: germline.
Comment: Absent from controls (or at extremely low frequency if recessive) in Genome Aggregation Database.

NM_018489.3(ASH1L):c.3848A>G (p.Gln1283Arg)

Gene: ASH1L (ASH1 like histone lysine methyltransferase; minus strand). Cytogenetic location: 1q22.
Variant type: single nucleotide variant.
Coding change: c.3848A>G on transcript NM_018489.3 (MANE Select); coding-DNA position 3848, A replaced by G.
Protein change: p.Gln1283Arg; replaces glutamine 1283 with arginine.
Molecular consequence: missense variant.
Genome position (GRCh38, 1-based): chr1:155,479,022, T>C on the plus strand (A>G on the coding strand, the complement: ASH1L is on the minus strand). VCF-style: chr1-155479022-T-C. GRCh37 (hg19) VCF-style: chr1-155448813-T-C.
Other names: c.3848A>G, p.Gln1283Arg (NM_001366177.2); short protein forms Q1283R.
Identifiers: ClinVar variation 5007878 (VCV005007878.2).